The following is an entry in ClinVar:

ClinVar aggregate classification (germline): Uncertain significance (1 of 4 stars; one submission).

gnomAD v4.1: 1 of 1,211,595 alleles (0.000083%); highest among the groups gnomAD compares: Non-Finnish European, 0.00011%; no homozygotes.

Submission:

GeneDx
Classification: Uncertain significance. Last evaluated: 2025-07-28. Review status: criteria provided, single submitter. Criteria: GeneDx Variant Classification Process June 2021. Collection method: clinical testing. Allele origin: germline. Affected: yes.
Comment: Not observed at significant frequency in large population cohorts (gnomAD); Missense variants in this gene are a common cause of disease and they are underrepresented in the general population; In silico analysis suggests that this missense variant does not alter protein structure/function; Has not been previously published as pathogenic or benign to our knowledge

NM_000533.5(PLP1):c.343G>A (p.Ala115Thr)

Genes: PLP1 (proteolipid protein 1; plus strand), RAB9B (RAB9B, member RAS oncogene family; minus strand). Cytogenetic location: Xq22.2.
Variant type: single nucleotide variant.
Coding change: c.343G>A on transcript NM_000533.5 (MANE Select); coding-DNA position 343, G replaced by A.
Protein change: p.Ala115Thr; replaces alanine 115 with threonine.
Molecular consequence: missense variant.
Genome position (GRCh38, 1-based): chrX:103,786,616, G>A. VCF-style: chrX-103786616-G-A. GRCh37 (hg19) VCF-style: chrX-103041545-G-A.
Other names: c.343G>A, p.Ala115Thr (NM_001128834.3, NM_199478.3); c.178G>A, p.Ala60Thr (NM_001305004.1); short protein forms A115T, A60T.
Identifiers: ClinVar variation 4690052 (VCV004690052.1).